The following is an entry in ClinVar:

NM_022168.4(IFIH1):c.1095+98_1095+102del

Gene: IFIH1 (interferon induced with helicase C domain 1; minus strand). Cytogenetic location: 2q24.2.
Variant type: Microsatellite.
Coding change: c.1095+98_1095+102del on transcript NM_022168.4 (MANE Select); bases 98 to 102 of the intron after coding-DNA position 1095, 5 bases deleted (GTTTA; older notation c.1095+98_1095+102delGTTTA).
Molecular consequence: intron variant.
Genome position (GRCh38, 1-based): chr2:162,288,033-162,288,037, TAAAC deleted on the plus strand (GTTTA on the coding strand, the reverse complement: IFIH1 is on the minus strand); deleting any 5 consecutive bases within chr2:162,288,033-162,288,042 gives the same sequence; the c. name uses the placement nearest the transcript's 3' end. VCF-style (leftmost placement, unchanged base first): chr2-162288032-TTAAAC-T. GRCh37 (hg19) VCF-style: chr2-163144542-TTAAAC-T.
Identifiers: ClinVar variation 1301152 (VCV001301152.4), dbSNP rs141134657, ClinGen allele CA59670419.

ClinVar aggregate classification (germline): Benign/Likely benign. Review status: criteria provided, multiple submitters, no conflicts (2 of 4 stars). 2 submissions from 2 submitters: Benign (1); Likely benign (1). Last evaluated 2023-11-12.

Submissions (2):

Unidad de Genómica Garrahan, Hospital de Pediatría Garrahan
Classification: Benign. Last evaluated: 2023-11-12. Review status: criteria provided, single submitter. Criteria: ACMG Guidelines, 2015. Collection method: clinical testing. Allele origin: germline. Affected: no. Observed: 43 variant alleles.
Comment: This variant is classified as Benign based on local population frequency. This variant was detected in 45% of patients studied by a panel of primary immunodeficiencies. Number of patients: 43. Only high quality variants are reported.

GeneDx
Classification: Likely benign. Last evaluated: 2021-04-03. Review status: criteria provided, single submitter. Criteria: GeneDx Variant Classification Process June 2021. Collection method: clinical testing. Allele origin: germline. Affected: yes.